The following is an entry in ClinVar:

NM_005055.5(RAPSN):c.193-14G>A

Gene: RAPSN (receptor associated protein of the synapse; minus strand). Cytogenetic location: 11p11.2.
Variant type: single nucleotide variant.
Coding change: c.193-14G>A on transcript NM_005055.5 (MANE Select); 14 bases into the intron before coding-DNA position 193, G replaced by A.
Molecular consequence: intron variant.
Genome position (GRCh38, 1-based): chr11:47,448,164, C>T on the plus strand (G>A on the coding strand, the complement: RAPSN is on the minus strand). VCF-style: chr11-47448164-C-T. GRCh37 (hg19) VCF-style: chr11-47469716-C-T.
Other names: c.193-14G>A (NM_032645.5).
Identifiers: ClinVar variation 516690 (VCV000516690.13), dbSNP rs114738594, ClinGen allele CA5976793.

ClinVar aggregate classification (germline): Benign/Likely benign. Review status: criteria provided, multiple submitters, no conflicts (2 of 4 stars). 5 submissions from 4 submitters: Benign (3); Likely benign (2). Last evaluated 2026-02-02.

Conditions:
Congenital myasthenic syndrome 11. Also called: MYASTHENIC SYNDROME, CONGENITAL, Ie; Myasthenic syndrome, congenital, 11, associated with acetylcholine receptor deficiency. Identifiers: Orphanet 590, MedGen C4225367, MONDO:0014588, OMIM 616326.
Fetal akinesia deformation sequence 1 (FADS1). Also called: Pena-Shokeir syndrome type I; Fetal akinesia sequence. Identifiers: Orphanet 994, MedGen C1276035, MONDO:0100101, OMIM 208150, HP:0001989.

Allele frequency attached by ClinVar (database versions not stated): gnomAD exomes 0.00052 and 0.00143; ExAC 0.00170; gnomAD 0.00495 and 0.00529; 1000 Genomes Project 0.00559; ESP Exome Variant Server 0.00569; 1000 Genomes Project 30x 0.00578; TOPMed 0.00606.
gnomAD v4.1: 1,539 of 1,607,052 alleles (0.096%); highest among the groups gnomAD compares: African/African-American, 1.7%; 8 homozygotes.

Submissions (5):

Labcorp Genetics (formerly Invitae), Labcorp
Classification: Benign for Congenital myasthenic syndrome 11; Fetal akinesia deformation sequence 1. Last evaluated: 2026-02-02. Review status: criteria provided, single submitter. Criteria: Invitae Variant Classification Sherloc (09022015). Collection method: clinical testing. Allele origin: germline.

Blueprint Genetics
Classification: Likely benign. Last evaluated: 2024-11-26. Review status: criteria provided, single submitter. Criteria: ACMG Guidelines, 2015. Collection method: clinical testing. Allele origin: germline.

Illumina Laboratory Services, Illumina
Classification: Benign for Congenital myasthenic syndrome 11. Last evaluated: 2018-01-12. Review status: criteria provided, single submitter. Criteria: ICSL Variant Classification Criteria 13 December 2019. Collection method: clinical testing. Allele origin: germline.
Comment: This variant was observed in the ICSL laboratory as part of a predisposition screen in an ostensibly healthy population. It had not been previously curated by ICSL or reported in the Human Gene Mutation Database (HGMD: prior to June 1st, 2018), and was therefore a candidate for classification through an automated scoring system. Utilizing variant allele frequency, disease prevalence and penetrance estimates, and inheritance mode, an automated score was calculated to assess if this variant is too frequent to cause the disease. Based on the score and internal cut-off values, a variant classified as benign is not then subjected to further curation. The score for this variant resulted in a classification of benign for this disease.

Illumina Laboratory Services, Illumina
Classification: Benign for Fetal akinesia deformation sequence 1. Last evaluated: 2018-01-12. Review status: criteria provided, single submitter. Criteria: ICSL Variant Classification Criteria 13 December 2019. Collection method: clinical testing. Allele origin: germline.
Comment: the same text as in the submission from Illumina Laboratory Services, Illumina above.

GeneDx
Classification: Likely benign. Last evaluated: 2017-08-24. Review status: criteria provided, single submitter. Criteria: GeneDx Variant Classification (06012015). Collection method: clinical testing. Allele origin: germline. Affected: yes.
Comment: This variant is considered likely benign or benign based on one or more of the following criteria: it is a conservative change, it occurs at a poorly conserved position in the protein, it is predicted to be benign by multiple in silico algorithms, and/or has population frequency not consistent with disease.